The following is an entry in ClinVar:

ClinVar aggregate classification (germline): Uncertain significance (1 of 4 stars; one submission).

Conditions:
Arrhythmogenic cardiomyopathy with wooly hair and keratoderma. Also called: PALMOPLANTAR KERATODERMA WITH LEFT VENTRICULAR CARDIOMYOPATHY AND WOOLLY HAIR; Carvajal syndrome; Dilated cardiomyopathy with woolly hair and keratoderma; Arrhythmogenic cardiomyopathy with woolly hair and keratoderma. Identifiers: Orphanet 65282, MedGen C1854063, MONDO:0011581, OMIM 605676.
Arrhythmogenic right ventricular dysplasia 8 (ARVD8). Also called: Arrhythmogenic Right Ventricular Dysplasia/Cardiomyopathy 8; ARRHYTHMOGENIC RIGHT VENTRICULAR DYSPLASIA, FAMILIAL, 8; ARRHYTHMOGENIC RIGHT VENTRICULAR CARDIOMYOPATHY 8. Identifiers: MedGen C1843896, MONDO:0011831, OMIM 607450.

Submission:

Labcorp Genetics (formerly Invitae), Labcorp
Classification: Uncertain significance for Arrhythmogenic cardiomyopathy with wooly hair and keratoderma; Arrhythmogenic right ventricular dysplasia 8. Last evaluated: 2025-08-17. Review status: criteria provided, single submitter. Criteria: Invitae Variant Classification Sherloc (09022015). Collection method: clinical testing. Allele origin: germline.
Comment: This sequence change replaces glutamine, which is neutral and polar, with histidine, which is basic and polar, at codon 1858 of the DSP protein (p.Gln1858His). This variant is not present in population databases (gnomAD no frequency). This variant has not been reported in the literature in individuals affected with DSP-related conditions. An algorithm developed to predict the effect of missense changes on protein structure and function (PolyPhen-2) suggests that this variant is likely to be disruptive. In summary, the available evidence is currently insufficient to determine the role of this variant in disease. Therefore, it has been classified as a Variant of Uncertain Significance.

NM_004415.4(DSP):c.5574G>C (p.Gln1858His)

Gene: DSP (desmoplakin; plus strand). Cytogenetic location: 6p24.3.
Variant type: single nucleotide variant.
Coding change: c.5574G>C on transcript NM_004415.4 (MANE Select); coding-DNA position 5574, G replaced by C.
Protein change: p.Gln1858His; replaces glutamine 1858 with histidine.
Molecular consequence: missense variant.
Genome position (GRCh38, 1-based): chr6:7,582,836, G>C. VCF-style: chr6-7582836-G-C. GRCh37 (hg19) VCF-style: chr6-7583069-G-C.
Other names: c.3777G>C, p.Gln1259His (NM_001008844.3); c.4245G>C, p.Gln1415His (NM_001319034.2); short protein forms Q1415H, Q1259H, Q1858H.
Identifiers: ClinVar variation 4790123 (VCV004790123.1).